The following is an entry in ClinVar:

NM_001161403.3(LIMS2):c.878+5G>C

Gene: LIMS2 (LIM zinc finger domain containing 2; minus strand). Cytogenetic location: 2q14.3.
Variant type: single nucleotide variant.
Coding change: c.878+5G>C on transcript NM_001161403.3 (MANE Select); 5 bases into the intron after coding-DNA position 878, G replaced by C.
Molecular consequence: intron variant.
Genome position (GRCh38, 1-based): chr2:127,640,065, C>G on the plus strand (G>C on the coding strand, the complement: LIMS2 is on the minus strand). VCF-style: chr2-127640065-C-G. GRCh37 (hg19) VCF-style: chr2-128397640-C-G.
Other names: c.863+5G>C (NM_001161404.2); c.944+5G>C (NM_001136037.4); c.950+5G>C (NM_017980.5); c.422+5G>C (NM_001256542.2).
Identifiers: ClinVar variation 2807933 (VCV002807933.3), dbSNP rs2468810359, ClinGen allele CA2739271207.

ClinVar aggregate classification (germline): Uncertain significance (1 of 4 stars; one submission).

Conditions:
Autosomal recessive limb-girdle muscular dystrophy type 2W (MDRCMTT). Also called: Muscular dystrophy, autosomal recessive, with cardiomyopathy and triangular tongue; Muscular dystrophy, limb-girdle, type 2W. Identifiers: MedGen C4225192, MONDO:0014788, OMIM 616827.

Submission:

Labcorp Genetics (formerly Invitae), Labcorp
Classification: Uncertain significance for Autosomal recessive limb-girdle muscular dystrophy type 2W. Last evaluated: 2023-02-07. Review status: criteria provided, single submitter. Criteria: Invitae Variant Classification Sherloc (09022015). Collection method: clinical testing. Allele origin: germline.
Comment: This sequence change falls in intron 10 of the LIMS2 gene. It does not directly change the encoded amino acid sequence of the LIMS2 protein. It affects a nucleotide within the consensus splice site. This variant is not present in population databases (gnomAD no frequency). This variant has not been reported in the literature in individuals affected with LIMS2-related conditions. Variants that disrupt the consensus splice site are a relatively common cause of aberrant splicing (PMID: 17576681, 9536098). Algorithms developed to predict the effect of sequence changes on RNA splicing suggest that this variant may disrupt the consensus splice site. In summary, the available evidence is currently insufficient to determine the role of this variant in disease. Therefore, it has been classified as a Variant of Uncertain Significance.

Literature cited by the submitters: PubMed 17576681; PubMed 9536098.